The following is an entry in ClinVar:

NM_001142800.2(EYS):c.4849A>T (p.Ile1617Leu)

Gene: EYS (EGF-like photoreceptor maintenance factor; minus strand). Cytogenetic location: 6q12.
Variant type: single nucleotide variant.
Coding change: c.4849A>T on transcript NM_001142800.2 (MANE Select); coding-DNA position 4849, A replaced by T.
Protein change: p.Ile1617Leu; replaces isoleucine 1617 with leucine.
Molecular consequence: missense variant.
Genome position (GRCh38, 1-based): chr6:64,591,018, T>A on the plus strand (A>T on the coding strand, the complement: EYS is on the minus strand). VCF-style: chr6-64591018-T-A. GRCh37 (hg19) VCF-style: chr6-65300911-T-A.
Other names: c.4849A>T, p.Ile1617Leu (NM_001292009.2); c.4849A>T (NM_001142800.1); short protein forms I1617L.
Identifiers: ClinVar variation 990034 (VCV000990034.2), dbSNP rs551487472, ClinGen allele CA3877051.

ClinVar aggregate classification (germline): Uncertain significance. Review status: criteria provided, single submitter (1 of 4 stars). 2 submissions from 2 submitters: Uncertain significance (1). 1 of the submissions does not count toward it. Last evaluated 2025-10-24.

Conditions:
EYS-related disorder. Also called: EYS-related condition.
Autosomal recessive retinitis pigmentosa. Identifiers: MedGen C0339526.

Allele frequency attached by ClinVar (database versions not stated): gnomAD 0.00001 and 0.00002; gnomAD exomes 0.00001 and 0.00008; TOPMed 0.00001; ExAC 0.00005; 1000 Genomes Project 30x 0.00016; 1000 Genomes Project 0.00020.
gnomAD v4.1: 20 of 1,551,366 alleles (0.0013%); highest among the groups gnomAD compares: East Asian, 0.044%; no homozygotes.

Submissions (2):

PreventionGenetics, part of Exact Sciences
Classification: Uncertain significance for EYS-related condition. Last evaluated: 2025-10-24. Review status: criteria provided, single submitter. Criteria: ACMG Guidelines, 2015. Collection method: clinical testing. Allele origin: germline.
Comment: The EYS c.4849A>T variant is predicted to result in the amino acid substitution p.Ile1617Leu. This variant was reported in a large cohort of individuals with retinitis pigmentosa (supplementary data, Gao et al. 2019. PubMed ID: 31054281). However, this variant is reported in 0.12% of alleles in individuals of East Asian descent in gnomAD, which may be too frequent to be a primary cause of disease. Although we suspect that this variant may be benign, at this time, the clinical significance of this variant is uncertain due to the absence of conclusive functional and genetic evidence.

Natera, Inc.
Classification: Uncertain significance for Autosomal recessive retinitis pigmentosa. Last evaluated: 2020-10-28. Review status: no assertion criteria provided. Collection method: clinical testing. Allele origin: germline. Not counted in ClinVar's aggregate classification.